The following is an entry in ClinVar:

NM_001367823.1(ARHGEF18):c.3259C>T (p.Arg1087Trp)

Gene: ARHGEF18 (Rho/Rac guanine nucleotide exchange factor 18; plus strand). Cytogenetic location: 19p13.2.
Variant type: single nucleotide variant.
Coding change: c.3259C>T on transcript NM_001367823.1 (MANE Select); coding-DNA position 3259, C replaced by T.
Protein change: p.Arg1087Trp; replaces arginine 1087 with tryptophan.
Molecular consequence: missense variant.
Genome position (GRCh38, 1-based): chr19:7,467,463, C>T. VCF-style: chr19-7467463-C-T. GRCh37 (hg19) VCF-style: chr19-7532349-C-T.
Other names: c.2533C>T, p.Arg845Trp (NM_001130955.2); c.2221C>T, p.Arg741Trp (NM_001367824.1, NM_015318.4); short protein forms R741W, R1087W, R845W.
Identifiers: ClinVar variation 840463 (VCV000840463.8), dbSNP rs757774583, ClinGen allele CA9137130.

ClinVar aggregate classification (germline): Uncertain significance. Review status: criteria provided, multiple submitters, no conflicts (2 of 4 stars). 2 submissions from 2 submitters: Uncertain significance (2). Last evaluated 2025-08-12.

Conditions:
Inborn genetic diseases. Identifiers: MedGen C0950123, MeSH D030342.

Allele frequency attached by ClinVar (database versions not stated): ExAC below 0.00001; gnomAD 0.00004; gnomAD exomes 0.00004; TOPMed 0.00005.

Submissions (2):

Ambry Genetics
Classification: Uncertain significance for Inborn genetic diseases. Last evaluated: 2025-08-12. Review status: criteria provided, single submitter. Criteria: Ambry Variant Classification Scheme 2023. Collection method: clinical testing. Allele origin: germline.

Labcorp Genetics (formerly Invitae), Labcorp
Classification: Uncertain significance. Last evaluated: 2022-04-08. Review status: criteria provided, single submitter. Criteria: Invitae Variant Classification Sherloc (09022015). Collection method: clinical testing. Allele origin: germline.
Comment: This sequence change replaces arginine, which is basic and polar, with tryptophan, which is neutral and slightly polar, at codon 899 of the ARHGEF18 protein (p.Arg899Trp). The frequency data for this variant in the population databases is considered unreliable, as metrics indicate poor data quality at this position in the gnomAD database. This variant has not been reported in the literature in individuals affected with ARHGEF18-related conditions. ClinVar contains an entry for this variant (Variation ID: 840463). Algorithms developed to predict the effect of missense changes on protein structure and function are either unavailable or do not agree on the potential impact of this missense change (SIFT: "Deleterious"; PolyPhen-2: "Benign"; Align-GVGD: "Class C0"). In summary, the available evidence is currently insufficient to determine the role of this variant in disease. Therefore, it has been classified as a Variant of Uncertain Significance.